The following is an entry in ClinVar:

NM_018245.3(OGDHL):c.2604G>T (p.Gln868His)

Gene: OGDHL (oxoglutarate dehydrogenase L; minus strand). Cytogenetic location: 10q11.23.
Variant type: single nucleotide variant.
Coding change: c.2604G>T on transcript NM_018245.3 (MANE Select); coding-DNA position 2604, G replaced by T.
Protein change: p.Gln868His; replaces glutamine 868 with histidine.
Molecular consequence: missense variant. On other transcripts: non-coding transcript variant (5).
Genome position (GRCh38, 1-based): chr10:49,736,507, C>A on the plus strand (G>T on the coding strand, the complement: OGDHL is on the minus strand). VCF-style: chr10-49736507-C-A. GRCh37 (hg19) VCF-style: chr10-50944553-C-A.
Other names: c.2433G>T, p.Gln811His (NM_001143996.2, NM_001347820.1); c.1977G>T, p.Gln659His (NM_001143997.2, NM_001347821.2, NM_001347822.1); c.2604G>T, p.Gln868His (NM_001347819.1); c.2424G>T, p.Gln808His (NM_001347823.1, NM_001347824.2); c.1797G>T, p.Gln599His (NM_001347825.2); c.1407G>T, p.Gln469His (NM_001347826.1); short protein forms Q469H, Q599H, Q659H, Q808H, Q811H, Q868H.
Identifiers: ClinVar variation 4279771 (VCV004279771.1).
Genomic context (GRCh38, chr10:49,736,507, plus strand): 5'-GATGAGCCGCTGCACCTGCTCAGGGGCCCGTGCTGCGGCCCCATCTTCAGGAATCACCCG[C>A]TGGAAGCTGGTCCCTGAGGGACCAACAGGACATGGCAGAGGCGTTGGTACCCAGAGGGGC-3'
Protein context (NP_060715.2, residues 858-878): FDQMVSGTSF[Gln868His]RVIPEDGAAA

ClinVar aggregate classification (germline): Uncertain significance (1 of 4 stars; one submission).

Conditions:
Yoon-Bellen neurodevelopmental syndrome (YOBELN). Identifiers: MedGen C5562066, MONDO:0859221, OMIM 619701.

Submission:

Clinical Genomics Laboratory, Washington University in St. Louis
Classification: Uncertain significance for Yoon-Bellen neurodevelopmental syndrome. Last evaluated: 2025-04-29. Review status: criteria provided, single submitter. Criteria: ACMG Guidelines, 2015. Collection method: clinical testing. Allele origin: germline.
Comment: The OGDHL c.2604G>T (p.Gln868His) variant, to our knowledge, has not been reported in the medical literature. This variant is only observed on 2 out of 248,702 alleles in the general population (gnomAD v2.1.1), indicating it is not a common variant. Computational predictors suggest that the variant does not impact OGDHL function. Due to limited information, and based on ACMG/AMP guidelines for variant interpretation (Richards S et al., PMID: 25741868), the clinical significance of this variant is uncertain at this time.